The following is an entry in ClinVar:

ClinVar aggregate classification (germline): Uncertain significance (1 of 4 stars; one submission).

Conditions:
PHIP-related disorder. Also called: PHIP-related disorders; PHIP-related condition.

gnomAD v4.1: 2 of 1,609,442 alleles (0.00012%); highest among the groups gnomAD compares: Non-Finnish European, 0.00017%; no homozygotes.

Submission:

PreventionGenetics, part of Exact Sciences
Classification: Uncertain significance for PHIP-related condition. Last evaluated: 2025-05-06. Review status: criteria provided, single submitter. Criteria: ACMG Guidelines, 2015. Collection method: clinical testing. Allele origin: germline.
Comment: The PHIP c.20G>A variant is predicted to result in the amino acid substitution p.Gly7Asp. To our knowledge, this variant has not been reported in the literature or in a large population database (gnomAD), indicating this variant is rare. At this time, the clinical significance of this variant is uncertain due to the absence of conclusive functional and genetic evidence.

NM_017934.7(PHIP):c.20G>A (p.Gly7Asp)

Genes: PHIP (PHIP subunit of CUL4-Ring ligase complex; minus strand), LOC129996745 (ATAC-STARR-seq lymphoblastoid silent region 17346; plus strand). Cytogenetic location: 6q14.1.
Variant type: single nucleotide variant.
Coding change: c.20G>A on transcript NM_017934.7 (MANE Select); coding-DNA position 20, G replaced by A.
Protein change: p.Gly7Asp; replaces glycine 7 with aspartic acid.
Molecular consequence: missense variant.
Genome position (GRCh38, 1-based): chr6:79,078,049, C>T on the plus strand (G>A on the coding strand, the complement: PHIP is on the minus strand). VCF-style: chr6-79078049-C-T. GRCh37 (hg19) VCF-style: chr6-79787766-C-T.
Other names: short protein forms G7D.
Identifiers: ClinVar variation 4988267 (VCV004988267.1).